The following is an entry in ClinVar:

ClinVar aggregate classification (germline): Conflicting classifications of pathogenicity. Review status: criteria provided, conflicting classifications (1 of 4 stars). 6 submissions from 6 submitters: Uncertain significance (5); Benign (1). Last evaluated 2026-01-26.

Conditions:
Hereditary nonpolyposis colorectal neoplasms. Identifiers: MedGen C0009405, MeSH D003123.
Hereditary cancer-predisposing syndrome. Also called: Tumor predisposition; Hereditary Cancer Syndrome; Hereditary neoplastic syndrome; Neoplastic Syndromes, Hereditary. Identifiers: Orphanet 140162, MedGen C0027672, MeSH D009386, MONDO:0015356.
Lynch syndrome. Identifiers: Orphanet 144, MedGen C4552100, MONDO:0005835. Disease mechanism: loss of function.
Lynch syndrome 4 (LYNCH4). Also called: Colorectal cancer, hereditary nonpolyposis, type 4; Hereditary non-polyposis colorectal cancer, type 4. Identifiers: Orphanet 144, MedGen C1838333, MONDO:0013699, OMIM 614337. Disease mechanism: loss of function.

Allele frequency attached by ClinVar (database versions not stated): gnomAD exomes below 0.00001 and 0.00001; TOPMed below 0.00001; gnomAD 0.00001; ExAC 0.00002.
gnomAD v4.1: 3 of 1,590,178 alleles (0.00019%); highest among the groups gnomAD compares: African/African-American, 0.0013%; no homozygotes.

Submissions (6):

Labcorp Genetics (formerly Invitae), Labcorp
Classification: Benign for Hereditary nonpolyposis colorectal neoplasms. Last evaluated: 2026-01-26. Review status: criteria provided, single submitter. Criteria: Invitae Variant Classification Sherloc (09022015). Collection method: clinical testing. Allele origin: germline.

Ambry Genetics
Classification: Uncertain significance for Hereditary cancer-predisposing syndrome. Last evaluated: 2025-01-13. Review status: criteria provided, single submitter. Criteria: Ambry Variant Classification Scheme 2023. Collection method: clinical testing. Allele origin: germline.
Comment: The p.Y61C variant (also known as c.182A>G), located in coding exon 3 of the PMS2 gene, results from an A to G substitution at nucleotide position 182. The tyrosine at codon 61 is replaced by cysteine, an amino acid with highly dissimilar properties. In a study of patients with wild-type PTEN who met at least the relaxed diagnostic criteria of the International Cowden Consortium, this alteration was observed in the TCGA colorectal adenocarcinoma data set, which was used to represent sporadic cancer (Lee YR et al. N Engl J Med, 2020 05;382:2103-2116). This amino acid position is not well conserved in available vertebrate species. In addition, this alteration is predicted to be tolerated by in silico analysis. Based on the available evidence, the clinical significance of this variant remains unclear.

GeneDx
Classification: Uncertain significance. Last evaluated: 2024-07-09. Review status: criteria provided, single submitter. Criteria: GeneDx Variant Classification Process June 2021. Collection method: clinical testing. Allele origin: germline. Affected: yes.
Comment: In silico analysis supports that this missense variant has a deleterious effect on protein structure/function; Identified an individual with colorectal cancer (PMID: 29684080); This variant is associated with the following publications: (PMID: 11574484, 32459922, 29684080)

All of Us Research Program, National Institutes of Health
Classification: Uncertain significance for Lynch syndrome. Last evaluated: 2024-05-30. Review status: criteria provided, single submitter. Criteria: ACMG Guidelines, 2015. Collection method: clinical testing. Allele origin: germline. Inheritance: Autosomal dominant inheritance. Observed: 3 variant alleles, 3 heterozygotes.
Comment: This missense variant replaces tyrosine with cysteine at codon 61 of the PMS2 protein. Computational prediction tool suggests that this variant may not impact protein structure and function (internally defined REVEL score threshold <=0.5, PMID: 27666373). Splice site prediction tools suggest that this variant may not impact RNA splicing. To our knowledge, functional studies have not been performed for this variant. This variant has not been reported in individuals affected with hereditary cancer in the literature. This variant has been identified in 2/250446 chromosomes in the general population by the Genome Aggregation Database (gnomAD). The available evidence is insufficient to determine the role of this variant in disease conclusively. Therefore, this variant is classified as a Variant of Uncertain Significance.

This study involves interpretation of variants in research participants for the purpose of population health screening. Participant phenotype was not available at the time of variant classification. Additional details can be found in publication PMID: 35346344, PMCID: PMC8962531

Color Diagnostics, LLC DBA Color Health
Classification: Uncertain significance for Hereditary cancer-predisposing syndrome. Last evaluated: 2024-05-09. Review status: criteria provided, single submitter. Criteria: ACMG Guidelines, 2015. Collection method: clinical testing. Allele origin: germline.
Comment: This missense variant replaces tyrosine with cysteine at codon 61 of the PMS2 protein. Computational prediction suggests that this variant may not impact protein structure and function (internally defined REVEL score threshold <= 0.5, PMID: 27666373). To our knowledge, functional studies have not been reported for this variant. This variant has been reported in individuals affected with colorectal cancer (PMID: 29684080, 32459922). This variant has been identified in 2/250446 chromosomes in the general population by the Genome Aggregation Database (gnomAD). The available evidence is insufficient to determine the role of this variant in disease conclusively. Therefore, this variant is classified as a Variant of Uncertain Significance.

Baylor Genetics
Classification: Uncertain significance for Lynch syndrome 4. Last evaluated: 2024-03-10. Review status: criteria provided, single submitter. Criteria: ACMG Guidelines, 2015. Collection method: clinical testing. Allele origin: unknown.

Literature cited by the submitters: PubMed 32459922 (cited by Ambry Genetics and Color Diagnostics, LLC DBA Color Health); PubMed 29684080 (cited by Color Diagnostics, LLC DBA Color Health).

NM_000535.7(PMS2):c.182A>G (p.Tyr61Cys)

Gene: PMS2 (PMS1 homolog 2, mismatch repair system component; minus strand). Cytogenetic location: 7p22.1.
Variant type: single nucleotide variant.
Coding change: c.182A>G on transcript NM_000535.7 (MANE Select); coding-DNA position 182, A replaced by G.
Protein change: p.Tyr61Cys; replaces tyrosine 61 with cysteine.
Molecular consequence: missense variant. On other transcripts: 5 prime UTR variant (11), non-coding transcript variant (1).
Genome position (GRCh38, 1-based): chr7:6,004,040, T>C on the plus strand (A>G on the coding strand, the complement: PMS2 is on the minus strand). VCF-style: chr7-6004040-T-C. GRCh37 (hg19) VCF-style: chr7-6043671-T-C.
Other names: c.-224A>G (NM_001322003.2, NM_001322004.2, NM_001322005.2 and 3 more transcripts); c.182A>G, p.Tyr61Cys (NM_001322006.2, NM_001322014.2); c.-34A>G (NM_001322007.2, NM_001322008.2); c.-703A>G (NM_001322011.2, NM_001322012.2); c.-303A>G (NM_001322015.2); short protein forms Y61C.
Identifiers: ClinVar variation 486926 (VCV000486926.25), dbSNP rs773109986, ClinGen allele CA045665.